The following is an entry in ClinVar:

NC_012920.1(MT-CYB):m.14891C>G

Gene: MT-CYB (mitochondrially encoded cytochrome b; plus strand).
Variant type: single nucleotide variant.
Genome position: chrM-14891-C-G.
Identifiers: ClinVar variation 143868 (VCV000143868.4), dbSNP rs386419981, ClinGen allele CA270601.

ClinVar aggregate classification (germline): Uncertain significance. Review status: criteria provided, single submitter (1 of 4 stars). 2 submissions from 2 submitters: Uncertain significance (1). 1 of the submissions does not count toward it. Last evaluated 2023-08-29.

Conditions:
Familial cancer of breast. Also called: BREAST CANCER, FAMILIAL; Hereditary breast cancer; hereditary breast carcinoma. Identifiers: Orphanet 227535, MedGen C0346153, MONDO:0016419, OMIM 114480. Disease mechanism: loss of function.

Submissions (2):

Ophthalmic Genetics Group, Institute of Molecular and Clinical Ophthalmology Basel
Classification: Uncertain significance for Familial cancer of breast. Last evaluated: 2023-08-29. Review status: criteria provided, single submitter. Criteria: ACMG Guidelines, 2015. Collection method: curation. Allele origin: unknown.
Comment: Clinical significance based on ACMG v2.0

This variant was classified as Uncertain significance based on ACMG criteria: PM2.

Department of Zoology Govt. MVM College
Classification: Likely pathogenic for Familial cancer of breast. Review status: no assertion criteria provided. Collection method: not provided. Allele origin: unknown. Not counted in ClinVar's aggregate classification.
Comment: KM277006
ClinVar note: Converted during submission from probable-pathogenic to Likely pathogenic.